The following is an entry in ClinVar:

NM_020975.6(RET):c.3209C>G (p.Pro1070Arg)

Gene: RET (ret proto-oncogene; plus strand). Cytogenetic location: 10q11.21.
Variant type: single nucleotide variant.
Coding change: c.3209C>G on transcript NM_020975.6 (MANE Select); coding-DNA position 3209, C replaced by G.
Protein change: p.Pro1070Arg; replaces proline 1070 with arginine.
Molecular consequence: missense variant.
Genome position (GRCh38, 1-based): chr10:43,128,133, C>G. VCF-style: chr10-43128133-C-G. GRCh37 (hg19) VCF-style: chr10-43623581-C-G.
Other names: c.3209C>G, p.Pro1070Arg (NM_000323.2, NM_001406743.1); c.*1379C>G (NM_001355216.2, NM_001406764.1, NM_001406765.1 and 15 more transcripts); c.3149C>G, p.Pro1050Arg (NM_001406759.1, NM_001406760.1); c.3080C>G, p.Pro1027Arg (NM_001406761.1, NM_001406762.1); c.3074C>G, p.Pro1025Arg (NM_001406763.1); c.2921C>G, p.Pro974Arg (NM_001406766.1, NM_001406767.1); c.2813C>G, p.Pro938Arg (NM_001406769.1); c.2771C>G, p.Pro924Arg (NM_001406771.1); and 7 more; short protein forms P1027R, P587R, P675R, P808R, P828R, P938R, P1025R, P567R.
Identifiers: ClinVar variation 1983101 (VCV001983101.4), dbSNP rs2538660812, ClinGen allele CA376558854.

ClinVar aggregate classification (germline): Uncertain significance (1 of 4 stars; one submission).

Conditions:
Multiple endocrine neoplasia, type 2 (MEN2). Identifiers: Orphanet 653, MedGen C4048306, MONDO:0019003. Disease mechanism: gain of function.

Submission:

Labcorp Genetics (formerly Invitae), Labcorp
Classification: Uncertain significance for Multiple endocrine neoplasia, type 2. Last evaluated: 2022-05-29. Review status: criteria provided, single submitter. Criteria: Invitae Variant Classification Sherloc (09022015). Collection method: clinical testing. Allele origin: germline.
Comment: This variant has not been reported in the literature in individuals affected with RET-related conditions. This sequence change replaces proline, which is neutral and non-polar, with arginine, which is basic and polar, at codon 1070 of the RET protein (p.Pro1070Arg). This variant is not present in population databases (gnomAD no frequency). Algorithms developed to predict the effect of missense changes on protein structure and function are either unavailable or do not agree on the potential impact of this missense change (SIFT: "Deleterious"; PolyPhen-2: "Probably Damaging"; Align-GVGD: "Class C0"). In summary, the available evidence is currently insufficient to determine the role of this variant in disease. Therefore, it has been classified as a Variant of Uncertain Significance.